The following is an entry in ClinVar:

NM_001540.5(HSPB1):c.250G>C (p.Gly84Arg)

Gene: HSPB1 (heat shock protein family B (small) member 1; plus strand). Cytogenetic location: 7q11.23.
Variant type: single nucleotide variant.
Coding change: c.250G>C on transcript NM_001540.5 (MANE Select); coding-DNA position 250, G replaced by C.
Protein change: p.Gly84Arg; replaces glycine 84 with arginine.
Molecular consequence: missense variant.
Genome position (GRCh38, 1-based): chr7:76,302,962, G>C. VCF-style: chr7-76302962-G-C. GRCh37 (hg19) VCF-style: chr7-75932279-G-C.
Other names: p.Gly84Arg; c.250G>C (LRG_248t1); short protein forms G84R.
Identifiers: ClinVar variation 220419 (VCV000220419.28), dbSNP rs770272088, ClinGen allele CA348720.
Genomic context (GRCh38, chr7:76,302,962, plus strand): 5'-GAGAGCCCCGCAGTGGCCGCGCCCGCCTACAGCCGCGCGCTCAGCCGGCAACTCAGCAGC[G>C]GGGTCTCGGAGATCCGGCACACTGCGGACCGCTGGCGCGTGTCCCTGGATGTCAACCACT-3'
Protein context (NP_001531.1, residues 74-94): SRALSRQLSS[Gly84Arg]VSEIRHTADR

ClinVar aggregate classification (germline): Pathogenic/Likely pathogenic. Review status: criteria provided, multiple submitters, no conflicts (2 of 4 stars). 14 submissions from 14 submitters: Pathogenic (10); Likely pathogenic (3). 1 of the submissions does not count toward it. Last evaluated 2026-06-01.

Conditions:
HSPB1-related disorder. Also called: HSPB1-related disorders; HSPB1-related condition.
Inborn genetic diseases. Identifiers: MedGen C0950123, MeSH D030342.
Distal hereditary motor neuropathy type 2. Identifiers: Orphanet 139525, MedGen C3711384, MeSH C580044, MONDO:0015352.
Distal spinal muscular atrophy. Also called: Distal hereditary motor neuropathy; Distal hereditary motor neuronopathy. Identifiers: Orphanet 53739, MedGen C0393541, MONDO:0018894.
Charcot-Marie-Tooth disease. Also called: Charcot-Marie-Tooth Hereditary Neuropathy; Charcot-Marie-Tooth Neuropathy. Identifiers: Orphanet 166, MedGen C0007959, MONDO:0015626.
Charcot-Marie-Tooth disease axonal type 2F (CMT2F). Also called: Charcot-Marie-Tooth Neuropathy Type 2F; CHARCOT-MARIE-TOOTH DISEASE, NEURONAL, TYPE 2F. Identifiers: Orphanet 99940, MedGen C1847823, MONDO:0011687, OMIM 606595.
Neuronopathy, distal hereditary motor, type 2B. Also called: NEUROPATHY, DISTAL HEREDITARY MOTOR, HARDING TYPE IIB; NEURONOPATHY, DISTAL HEREDITARY MOTOR, AUTOSOMAL DOMINANT 3; NEURONOPATHY, DISTAL HEREDITARY MOTOR, HARDING TYPE IIB; HMN IIB. Identifiers: Orphanet 139525, MedGen C2608087, MONDO:0012080, OMIM 608634.

Allele frequency attached by ClinVar (database versions not stated): TOPMed 0.00001; gnomAD 0.00001; gnomAD exomes 0.00001.
gnomAD v4.1: 33 of 1,544,310 alleles (0.0021%); highest among the groups gnomAD compares: Non-Finnish European, 0.0027%; no homozygotes.

Submissions 1 to 8 of 14:

CeGaT Center for Human Genetics Tuebingen
Classification: Pathogenic. Last evaluated: 2026-06-01. Review status: criteria provided, single submitter. Criteria: CeGaT Center For Human Genetics Tuebingen Variant Classification Criteria Version 2. Collection method: clinical testing. Allele origin: germline. Affected: yes. Observed: 1 variant allele.
Comment: HSPB1: PS1, PM2, PS4:Moderate, PP3, PS3:Supporting

PreventionGenetics, part of Exact Sciences
Classification: Pathogenic for HSPB1-related condition. Last evaluated: 2026-05-22. Review status: criteria provided, single submitter. Criteria: ACMG Guidelines, 2015. Collection method: clinical testing. Allele origin: germline.
Comment: The HSPB1 c.250G>C variant is predicted to result in the amino acid substitution p.Gly84Arg. This variant has been reported in the heterozygous state in multiple individuals with autosomal dominant distal hereditary motor neuropathy (dHMN; James et al. 2008. PubMed ID: 18344398; Houlden et al. 2008. PubMed ID: 18832141) or Charcot-Marie-Tooth disease type 2 (CMT2; Katz et al. 2020. PubMed ID: 32334137). This variant has also been reported in the homozygous state in an individual with severe early-onset CMT (Table S3, Fischer et al. 2012. PubMed ID: 21892769); this individual's parents were both heterozygous carriers who were subclinically affected. In vitro studies have demonstrated that this variant negatively impacts protein function and leads to the increased formation of cytoplasmic protein aggregates consisting of abnormally large, unstable homooligomers (James et al. 2008. PubMed ID: 18344398; Nefedova et al. 2013. PubMed ID: 23948568; Heilman et al. 2017. PubMed ID: 28797631). This variant is reported in 0.0017% of alleles in individuals of European (Non-Finnish) descent in gnomAD. Of note, a different nucleotide substitution (c.250G>A) resulting in the same protein change (p.Gly84Arg) has been reported in the homozygous state in a pair of adolescent siblings with dHMN whose parents were consanguineous (Ho et al. 2017. PubMed ID: 28379183). Taken together, the c.250G>C, p.Gly84Arg variant is interpreted as pathogenic.

Labcorp Genetics (formerly Invitae), Labcorp
Classification: Pathogenic for Charcot-Marie-Tooth disease axonal type 2F. Last evaluated: 2025-11-12. Review status: criteria provided, single submitter. Criteria: Invitae Variant Classification Sherloc (09022015). Collection method: clinical testing. Allele origin: germline.
Comment: This sequence change replaces glycine, which is neutral and non-polar, with arginine, which is basic and polar, at codon 84 of the HSPB1 protein (p.Gly84Arg). This variant is present in population databases (no rsID available, gnomAD 0.002%). This missense change has been observed in individuals with autosomal dominant Charcot-Marie-Tooth disease or distal hereditary motor neuropathy (PMID: 18344398, 18832141, 21892769, 25429913). ClinVar contains an entry for this variant (Variation ID: 220419). Invitae Evidence Modeling of protein sequence and biophysical properties (such as structural, functional, and spatial information, amino acid conservation, physicochemical variation, residue mobility, and thermodynamic stability) indicates that this missense variant is expected to disrupt HSPB1 protein function with a positive predictive value of 95%. Experimental studies have shown that this missense change affects HSPB1 function (PMID: 18344398, 23948568). For these reasons, this variant has been classified as Pathogenic.

Clinical Genetics Laboratory, Skane University Hospital Lund
Classification: Pathogenic for Distal spinal muscular atrophy. Last evaluated: 2025-10-23. Review status: criteria provided, single submitter. Criteria: ACMG Guidelines, 2015. Collection method: clinical testing. Allele origin: germline. Affected: yes.
Comment: ACMG criterias used: PS1, PS2 supporting, PS3 supporting, PM3 supporting, PP1 moderate and PP3.

Victorian Clinical Genetics Services, Murdoch Childrens Research Institute
Classification: Pathogenic for Neuronopathy, distal hereditary motor, type 2B. Last evaluated: 2024-10-10. Review status: criteria provided, single submitter. Criteria: ACMG Guidelines, 2015. Collection method: clinical testing. Allele origin: germline. Inheritance: Autosomal dominant inheritance. Affected: yes.
Comment: Based on the classification scheme VCGS_Germline_v1.3.5, this variant is classified as Pathogenic. Following criteria are met: 0104 - Dominant negative is a known mechanism of disease in this gene and is associated with axonal Charcot-Marie-Tooth disease type 2F (MIM#606595) and distal hereditary motor neuronopathy 3 (MIM#608634) (PMID: 25220807). (I) 0107 - This gene is associated with autosomal dominant disease. (I) 0200 - Variant is predicted to result in a missense amino acid change from glycine to arginine. (I) 0251 - This variant is heterozygous. (I) 0302 - Variant is present in gnomAD (v4) <0.001 for a dominant condition (33 heterozygotes, 0 homozygotes). (SP) 0501 - Missense variant consistently predicted to be damaging by multiple in silico tools or highly conserved with a major amino acid change. (SP) 0604 - Variant is not located in an established domain, motif, hotspot or informative constraint region. (I) 0801 - This variant has strong previous evidence of pathogenicity in unrelated individuals. This missense variant (and also c.250G>A) has multiple pathogenic reports in unrelated individuals (ClinVar, LOVD). (SP) 1208 - Inheritance information for this variant is not currently available in this individual. (I) Legend: (SP) - Supporting pathogenic, (I) - Information, (SB) - Supporting benign

Department of Clinical Genetics, Copenhagen University Hospital, Rigshospitalet
Classification: Likely pathogenic for Neuronopathy, distal hereditary motor, type 2B. Last evaluated: 2024-09-16. Review status: criteria provided, single submitter. Criteria: ACMG Guidelines, 2015. Collection method: clinical testing. Allele origin: germline.
Comment: PS4_M, PP3_M, PS3_Sup, PM2_Sup, PM5_Sup

GeneDx
Classification: Likely pathogenic. Last evaluated: 2024-01-12. Review status: criteria provided, single submitter. Criteria: GeneDx Variant Classification Process June 2021. Collection method: clinical testing. Allele origin: germline. Affected: yes.
Comment: Identified in a homozygous state in a patient with severe Charcot Marie Tooth disease whose heterozygous parents were more mildly affected with impaired tendon reflexes (PMID: 21892769); Published functional studies demonstrate a damaging effect on protein stability and ability to form large heterooligomers (PMID: 23948568), as well as enhanced cytoplasmic aggregation of the mutant protein (PMID: 18344398); Reported in patients with distal hereditary motor neuropathy in published literature (PMID: 18832141, 18344398, 27816334); Not observed at significant frequency in large population cohorts (gnomAD); In silico analysis supports that this missense variant has a deleterious effect on protein structure/function; This variant is associated with the following publications: (PMID: 32528171, 28000086, 32334137, 28797631, 18344398, 34128983, 27816334, 31573509, 18832141, 21892769, 23948568)

Molecular Genetics, Royal Melbourne Hospital
Classification: Pathogenic for Distal hereditary motor neuropathy type 2. Last evaluated: 2023-03-30. Review status: criteria provided, single submitter. Criteria: ACMG Guidelines, 2015. Collection method: clinical testing. Allele origin: germline. Affected: yes.
Comment: This sequence change in HSPB1 is predicted to replace glycine with arginine at codon 84, p.(Gly84Arg). The glycine residue is highly conserved (100 vertebrates, UCSC), and is located in the N-terminal region. There is a large physicochemical difference between glycine and arginine. This variant is present in a single European (non-Finnish) individual in gnomAD v2.1 (1/60,362 alleles). This variant has been reported in at least six probands with hereditary motor neuropathies, and segregates with disease in at least two families (PMID: 18344398, 18832141, 21892769, 27816334; Shariant). Expression of the variant in heterologous systems showed protein aggregate formation, altered protein oligomerisation, and decreased charperone-like acitivty indicating that this variant impacts protein function (PMID: 18344398, 23948568). Multiple lines of computational evidence predict a deleterious effect for the missense substitution (6/6 algorithms). The same amino acid change (p.Gly84Arg), resulting from a different nucleotide change c.250G>A, is classified as likely pathogenic for hereditary motor neuropathy (ClinVar ID: 632006). Based on the classification scheme RMH Modified ACMG Guidelines v1.5.1, this variant is classified as PATHOGENIC. Following criteria are met: PS1, PS4_Moderate, PS3_Supporting, PM2_Supporting, PP1, PP3.